The following is an entry in ClinVar:

ClinVar aggregate classification (germline): Uncertain significance (1 of 4 stars; one submission).

Allele frequency attached by ClinVar (database versions not stated): gnomAD exomes below 0.00001.

Submission:

Labcorp Genetics (formerly Invitae), Labcorp
Classification: Uncertain significance. Last evaluated: 2022-08-10. Review status: criteria provided, single submitter. Criteria: Invitae Variant Classification Sherloc (09022015). Collection method: clinical testing. Allele origin: germline.
Comment: This variant is present in population databases (no rsID available, gnomAD 0.0009%). This sequence change replaces alanine, which is neutral and non-polar, with glycine, which is neutral and non-polar, at codon 1917 of the CACNA1E protein (p.Ala1917Gly). This variant has not been reported in the literature in individuals affected with CACNA1E-related conditions. ClinVar contains an entry for this variant (Variation ID: 1523228). In summary, the available evidence is currently insufficient to determine the role of this variant in disease. Therefore, it has been classified as a Variant of Uncertain Significance. Advanced modeling of protein sequence and biophysical properties (such as structural, functional, and spatial information, amino acid conservation, physicochemical variation, residue mobility, and thermodynamic stability) performed at Invitae indicates that this missense variant is not expected to disrupt CACNA1E protein function.

NM_001205293.3(CACNA1E):c.5750C>G (p.Ala1917Gly)

Gene: CACNA1E (calcium voltage-gated channel subunit alpha1 E; plus strand). Cytogenetic location: 1q25.3.
Variant type: single nucleotide variant.
Coding change: c.5750C>G on transcript NM_001205293.3 (MANE Select); coding-DNA position 5750, C replaced by G.
Protein change: p.Ala1917Gly; replaces alanine 1917 with glycine.
Molecular consequence: missense variant.
Genome position (GRCh38, 1-based): chr1:181,785,783, C>G. VCF-style: chr1-181785783-C-G. GRCh37 (hg19) VCF-style: chr1-181754919-C-G.
Other names: c.5750C>G, p.Ala1917Gly (NM_000721.4); c.5693C>G, p.Ala1898Gly (NM_001205294.2); short protein forms A1898G, A1917G.
Identifiers: ClinVar variation 1523228 (VCV001523228.8), dbSNP rs1395524417, ClinGen allele CA343631786.
Genomic context (GRCh38, chr1:181,785,783, plus strand): 5'-CCATGTTCCAGCGCATGGAGCCTTCATCTCTGCCTCAGGAGATCATTGCTAATGCCAAAG[C>G]CCTGCCTTACCTCCAGCAGGACCCCGTTTCAGGCCTGTGAGTAGCACCAAAACATCCCTG-3'
Protein context (NP_001192222.1, residues 1907-1927): LPQEIIANAK[Ala1917Gly]LPYLQQDPVS